The following is an entry in ClinVar:

NM_000143.4(FH):c.587_593del (p.His196fs)

Gene: FH (fumarate hydratase; minus strand). Cytogenetic location: 1q43.
Variant type: Deletion.
Coding change: c.587_593del on transcript NM_000143.4 (MANE Select); coding-DNA positions 587 to 593, 7 bases deleted (ACATTGC; older notation c.587_593delACATTGC).
Protein change: p.His196fs; shifts the reading frame from histidine 196.
Molecular consequence: frameshift variant.
Genome position (GRCh38, 1-based): chr1:241,508,748-241,508,754, GCAATGT deleted on the plus strand (ACATTGC on the coding strand, the reverse complement: FH is on the minus strand); deleting any 7 consecutive bases within chr1:241,508,748-241,508,757 gives the same sequence; the c. name uses the placement nearest the transcript's 3' end. VCF-style (leftmost placement, unchanged base first): chr1-241508747-AGCAATGT-A. GRCh37 (hg19) VCF-style: chr1-241672047-AGCAATGT-A.
Other names: short protein forms H196fs.
Identifiers: ClinVar variation 2673430 (VCV002673430.1), dbSNP rs2527327500, ClinGen allele CA2695200402.

ClinVar aggregate classification (germline): Pathogenic (1 of 4 stars; one submission).

Conditions:
Hereditary leiomyomatosis and renal cell cancer. Also called: MULTIPLE CUTANEOUS AND UTERINE LEIOMYOMATA 1, WITH OR WITHOUT RENAL CELL CARCINOMA; Multiple cutaneous leiomyomas; LEIOMYOMA, MULTIPLE CUTANEOUS; Familial leiomyomatosis; Reed syndrome; Multiple cutaneous and uterine leiomyomatosis. Identifiers: Orphanet 523, MedGen C1708350, MONDO:0007888, OMIM 150800, HP:0007437. Disease mechanism: loss of function.

Submission:

Myriad Genetics, Inc.
Classification: Pathogenic for Hereditary leiomyomatosis and renal cell cancer. Last evaluated: 2023-07-05. Review status: criteria provided, single submitter. Criteria: Myriad Autosomal Dominant, Autosomal Recessive and X-Linked Classification Criteria (2023). Collection method: clinical testing. Allele origin: unknown.
Comment: This variant is considered pathogenic. This variant creates a frameshift predicted to result in premature protein truncation.